The following is an entry in ClinVar:

ClinVar aggregate classification (germline): Pathogenic. Review status: criteria provided, single submitter (1 of 4 stars). 2 submissions from 2 submitters: Pathogenic (1). 1 of the submissions does not count toward it. Last evaluated 2023-10-15.

Conditions:
Glycine encephalopathy. Also called: Nonketotic hyperglycinemia; Non-ketotic hyperglycinemia. Identifiers: Orphanet 407, MedGen C0751748, MONDO:0011612, HP:0008288.

Submissions (2):

Labcorp Genetics (formerly Invitae), Labcorp
Classification: Pathogenic for Glycine encephalopathy. Last evaluated: 2023-10-15. Review status: criteria provided, single submitter. Criteria: Invitae Variant Classification Sherloc (09022015). Collection method: clinical testing. Allele origin: germline.
Comment: This sequence change creates a premature translational stop signal (p.Glu153*) in the GLDC gene. It is expected to result in an absent or disrupted protein product. Loss-of-function variants in GLDC are known to be pathogenic (PMID: 16601880). This variant is not present in population databases (gnomAD no frequency). This premature translational stop signal has been observed in individual(s) with clinical features of glycine encephalopathy (PMID: 16601880). ClinVar contains an entry for this variant (Variation ID: 56097). For these reasons, this variant has been classified as Pathogenic.

Juha Muilu Group; Institute for Molecular Medicine Finland (FIMM)
Classification: Likely pathogenic for Non-ketotic hyperglycinemia. Review status: no assertion criteria provided. Collection method: not provided. Allele origin: unknown. Not counted in ClinVar's aggregate classification.
Comment: FinDis database variant: This variant was not found or characterized by our laboratory, data were collected from public sources: see reference
ClinVar note: Converted during submission from probable-pathogenic to Likely pathogenic.

Literature cited by the submitters: PubMed 16601880 (cited by Labcorp Genetics (formerly Invitae), Labcorp).

NM_000170.3(GLDC):c.457G>T (p.Glu153Ter)

Gene: GLDC (glycine decarboxylase; minus strand). Cytogenetic location: 9p24.1.
Variant type: single nucleotide variant.
Coding change: c.457G>T on transcript NM_000170.3 (MANE Select); coding-DNA position 457, G replaced by T.
Protein change: p.Glu153Ter; replaces glutamic acid 153 with a stop codon.
Molecular consequence: nonsense.
Genome position (GRCh38, 1-based): chr9:6,620,197, C>A on the plus strand (G>T on the coding strand, the complement: GLDC is on the minus strand). VCF-style: chr9-6620197-C-A. GRCh37 (hg19) VCF-style: chr9-6620197-C-A.
Other names: short protein forms E153*.
Identifiers: ClinVar variation 56097 (VCV000056097.5), dbSNP rs386833579, ClinGen allele CA263420.
Genomic context (GRCh38, chr9:6,620,197, plus strand): 5'-TTATGCAAATCACAGTCATCCTGTTCCTGAACTGAGAAATACATTACCATCCTGAGTTCT[C>A]CAGTAAGTTCCGCAAAATCGTCTGTGGCACTGAGCAGTTATAATAGCCCATGCCAATATA-3'